The following is an entry in ClinVar:

NM_177438.3(DICER1):c.3808G>C (p.Val1270Leu)

Gene: DICER1 (dicer 1, ribonuclease III; minus strand). Cytogenetic location: 14q32.13.
Variant type: single nucleotide variant.
Coding change: c.3808G>C on transcript NM_177438.3 (MANE Select); coding-DNA position 3808, G replaced by C.
Protein change: p.Val1270Leu; replaces valine 1270 with leucine.
Molecular consequence: missense variant. On other transcripts: non-coding transcript variant (6).
Genome position (GRCh38, 1-based): chr14:95,103,588, C>G on the plus strand (G>C on the coding strand, the complement: DICER1 is on the minus strand). VCF-style: chr14-95103588-C-G. GRCh37 (hg19) VCF-style: chr14-95569925-C-G.
Other names: c.3808G>C, p.Val1270Leu (NM_001195573.1, NM_001271282.3, NM_001291628.2 and 12 more transcripts); c.3526G>C, p.Val1176Leu (NM_001395686.1); c.3403G>C, p.Val1135Leu (NM_001395687.1, NM_001395688.1, NM_001395689.1 and 2 more transcripts); c.3241G>C, p.Val1081Leu (NM_001395691.1); c.2125G>C, p.Val709Leu (NM_001395697.1); short protein forms V1081L, V1135L, V1176L, V1270L, V709L.
Identifiers: ClinVar variation 1692088 (VCV001692088.5), dbSNP rs1566767339, ClinGen allele CA390873403.

ClinVar aggregate classification (germline): Uncertain significance. Review status: criteria provided, multiple submitters, no conflicts (2 of 4 stars). 3 submissions from 3 submitters: Uncertain significance (3). Last evaluated 2025-11-25.

Conditions:
DICER1-related tumor predisposition. Also called: DICER1-related pleuropulmonary blastoma cancer predisposition syndrome; DICER1 syndrome. Identifiers: Orphanet 284343, MedGen C3839822, MONDO:0100216.
Hereditary cancer-predisposing syndrome. Also called: Neoplastic Syndromes, Hereditary; Hereditary Cancer Syndrome; Tumor predisposition; Hereditary neoplastic syndrome. Identifiers: Orphanet 140162, MedGen C0027672, MeSH D009386, MONDO:0015356.

Submissions (3):

Ambry Genetics
Classification: Uncertain significance for Hereditary cancer-predisposing syndrome. Last evaluated: 2025-11-25. Review status: criteria provided, single submitter. Criteria: Ambry Variant Classification Scheme 2023. Collection method: clinical testing. Allele origin: germline.
Comment: The p.V1270L variant (also known as c.3808G>C), located in coding exon 20 of the DICER1 gene, results from a G to C substitution at nucleotide position 3808. The valine at codon 1270 is replaced by leucine, an amino acid with highly similar properties. This amino acid position is conserved. In addition, this alteration is predicted to be tolerated by in silico analysis. Based on the available evidence, the clinical significance of this variant remains unclear.

Labcorp Genetics (formerly Invitae), Labcorp
Classification: Uncertain significance for DICER1-related tumor predisposition. Last evaluated: 2023-11-02. Review status: criteria provided, single submitter. Criteria: Invitae Variant Classification Sherloc (09022015). Collection method: clinical testing. Allele origin: germline.
Comment: This sequence change replaces valine, which is neutral and non-polar, with leucine, which is neutral and non-polar, at codon 1270 of the DICER1 protein (p.Val1270Leu). This variant is not present in population databases (gnomAD no frequency). This variant has not been reported in the literature in individuals affected with DICER1-related conditions. ClinVar contains an entry for this variant (Variation ID: 1692088). An algorithm developed to predict the effect of missense changes on protein structure and function (PolyPhen-2) suggests that this variant is likely to be tolerated. In summary, the available evidence is currently insufficient to determine the role of this variant in disease. Therefore, it has been classified as a Variant of Uncertain Significance.

Sema4
Classification: Uncertain significance for Hereditary cancer-predisposing syndrome. Last evaluated: 2021-09-09. Review status: criteria provided, single submitter. Criteria: Sema4 Curation Guidelines. Collection method: curation. Allele origin: germline.
Comment: The DICER1 c.3808G>C (p.V1270L) variant has not been reported in the literature to our knowledge. It was not observed in the large and broad cohorts of the Genome Aggregation Database, nor has it been reported in ClinVar. In silico tools suggest the impact of the variant on protein function is benign, though these predictions have not been confirmed by functional studies. The evidence is insufficient to meet ACMG/AMP criteria for classifying the variant as benign or pathogenic. Thus, the clinical significance of this variant is currently uncertain.